The following is an entry in ClinVar:

NM_001253697.2(ERBIN):c.2870TAA[1] (p.Ile958del)

Gene: ERBIN (erbb2 interacting protein; plus strand). Cytogenetic location: 5q12.3.
Variant type: Microsatellite.
Coding change: c.2870TAA[1] on transcript NM_001253697.2 (MANE Select); one copy of the 3-base unit TAA starting at c.2870; the reference has two copies in a row; one copy, 3 bases deleted.
Protein change: p.Ile958del; deletes isoleucine 958.
Genome position (GRCh38, 1-based): chr5:66,054,191-66,054,193, TAA deleted; deleting any 3 consecutive bases within chr5:66,054,187-66,054,193 gives the same sequence; the position shown is the placement nearest the transcript's 3' end. VCF-style (leftmost placement, unchanged base first): chr5-66054186-TATA-T. GRCh37 (hg19) VCF-style: chr5-65350014-TATA-T.
Other names: c.2870TAA[1], p.Ile958del (NM_001253699.2, NM_018695.4, NM_001006600.3 and 1 more transcripts); c.2858TAA[1], p.Ile954del (NM_001253701.2); short protein forms I954del, I958del.
Identifiers: ClinVar variation 3666981 (VCV003666981.2).

ClinVar aggregate classification (germline): Uncertain significance (1 of 4 stars; one submission).

Submission:

Labcorp Genetics (formerly Invitae), Labcorp
Classification: Uncertain significance. Last evaluated: 2024-05-13. Review status: criteria provided, single submitter. Criteria: Invitae Variant Classification Sherloc (09022015). Collection method: clinical testing. Allele origin: germline.
Comment: This variant, c.2873_2875del, results in the deletion of 1 amino acid(s) of the ERBIN protein (p.Ile958del), but otherwise preserves the integrity of the reading frame. This variant is present in population databases (rs751532262, gnomAD 0.01%). This variant has not been reported in the literature in individuals affected with ERBIN-related conditions. In summary, the available evidence is currently insufficient to determine the role of this variant in disease. Therefore, it has been classified as a Variant of Uncertain Significance.